The following is an entry in ClinVar:

ClinVar aggregate classification (germline): Benign/Likely benign. Review status: criteria provided, multiple submitters, no conflicts (2 of 4 stars). 4 submissions from 4 submitters: Benign (2); Likely benign (2). Last evaluated 2025-11-12.

Allele frequency attached by ClinVar (database versions not stated): TOPMed 0.00003; gnomAD exomes 0.00035; 1000 Genomes Project 0.00060; 1000 Genomes Project 30x 0.00062.
gnomAD v4.1: 245 of 1,614,170 alleles (0.015%); highest among the groups gnomAD compares: South Asian, 0.24%; 2 homozygotes.

Submissions (4):

Labcorp Genetics (formerly Invitae), Labcorp
Classification: Benign. Last evaluated: 2025-11-12. Review status: criteria provided, single submitter. Criteria: Invitae Variant Classification Sherloc (09022015). Collection method: clinical testing. Allele origin: germline.

CeGaT Center for Human Genetics Tuebingen
Classification: Likely benign. Last evaluated: 2025-06-01. Review status: criteria provided, single submitter. Criteria: CeGaT Center For Human Genetics Tuebingen Variant Classification Criteria Version 2. Collection method: clinical testing. Allele origin: germline. Affected: yes. Observed: 1 variant allele.
Comment: TFRC: BP4, BP7

Blueprint Genetics
Classification: Likely benign. Last evaluated: 2024-06-28. Review status: criteria provided, single submitter. Criteria: ACMG Guidelines, 2015. Collection method: clinical testing. Allele origin: germline.

Breakthrough Genomics
Classification: Benign. Review status: criteria provided, single submitter. Criteria: ACMG Guidelines, 2015. Collection method: not provided. Allele origin: germline. Inheritance: Autosomal recessive inheritance. Affected: yes.

NM_001128148.3(TFRC):c.135A>G (p.Glu45=)

Gene: TFRC (transferrin receptor; minus strand). Cytogenetic location: 3q29.
Variant type: single nucleotide variant.
Coding change: c.135A>G on transcript NM_001128148.3 (MANE Select); coding-DNA position 135, A replaced by G.
Protein change: p.Glu45=; no amino-acid change (glutamic acid 45 retained).
Molecular consequence: synonymous variant. On other transcripts: intron variant (2).
Genome position (GRCh38, 1-based): chr3:196,075,262, T>C on the plus strand (A>G on the coding strand, the complement: TFRC is on the minus strand). VCF-style: chr3-196075262-T-C. GRCh37 (hg19) VCF-style: chr3-195802133-T-C.
Other names: c.135A>G, p.Glu45= (NM_003234.4); c.-413+1802A>G (NM_001313966.2); c.-5-1137A>G (NM_001313965.2).
Identifiers: ClinVar variation 1600228 (VCV001600228.20), dbSNP rs552921034, ClinGen allele CA2778392.